The following is an entry in ClinVar:

NM_007194.4(CHEK2):c.684-3_684-2del

Gene: CHEK2 (checkpoint kinase 2; minus strand). Cytogenetic location: 22q12.1.
Variant type: Deletion.
Coding change: c.684-3_684-2del on transcript NM_007194.4 (MANE Select); 3 bases into the intron before coding-DNA position 684 through the canonical splice acceptor site of the intron before coding-DNA position 684, 2 bases deleted (TA; older notation c.684-3_684-2delTA).
Molecular consequence: splice acceptor variant.
Genome position (GRCh38, 1-based): chr22:28,712,019-28,712,020, TA deleted on the plus strand (TA on the coding strand, the reverse complement: CHEK2 is on the minus strand). VCF-style (leftmost placement, unchanged base first): chr22-28712018-CTA-C. GRCh37 (hg19) VCF-style: chr22-29108006-CTA-C.
Other names: c.21-3_21-2del (NM_001437942.1, NM_001257387.3); c.483-3_483-2del (NM_001349956.3); c.684-3_684-2del (NM_145862.3); c.777-3_777-2del (NM_001438295.1, NM_001438293.1); c.813-3_813-2del (NM_001438294.1, NM_001005735.3).
Identifiers: ClinVar variation 1755747 (VCV001755747.5), dbSNP rs2517964935, ClinGen allele CA2580099701.
Genomic context (GRCh38, chr22:28,712,018, plus strand): 5'-ATGGCTACTTTCTTACATGTTTTCCTCTCGAAAGCCAGCTTTACCTCTCCACAGGCACCA[CTA>C]GAGGGAAAAACAAAGATAGTGATTGTCTGAATGTTTTTAATTATGAGACCTACCACTCCT-3'

ClinVar aggregate classification (germline): Likely pathogenic. Review status: criteria provided, multiple submitters, no conflicts (2 of 4 stars). 2 submissions from 2 submitters: Likely pathogenic (2). Last evaluated 2023-03-02.

Conditions:
Hereditary cancer-predisposing syndrome. Also called: Neoplastic Syndromes, Hereditary; Tumor predisposition; Hereditary Cancer Syndrome; Hereditary neoplastic syndrome. Identifiers: Orphanet 140162, MedGen C0027672, MeSH D009386, MONDO:0015356.
Familial cancer of breast. Also called: BREAST CANCER, FAMILIAL; hereditary breast carcinoma; Hereditary breast cancer. Identifiers: Orphanet 227535, MedGen C0346153, MONDO:0016419, OMIM 114480. Disease mechanism: loss of function.

Submissions (2):

Labcorp Genetics (formerly Invitae), Labcorp
Classification: Likely pathogenic for Familial cancer of breast. Last evaluated: 2023-03-02. Review status: criteria provided, single submitter. Criteria: Invitae Variant Classification Sherloc (09022015). Collection method: clinical testing. Allele origin: germline.
Comment: This sequence change affects a splice site in intron 5 of the CHEK2 gene. It is expected to disrupt RNA splicing. Variants that disrupt the donor or acceptor splice site typically lead to a loss of protein function (PMID: 16199547), and loss-of-function variants in CHEK2 are known to be pathogenic (PMID: 21876083, 24713400). This variant is not present in population databases (gnomAD no frequency). This variant has not been reported in the literature in individuals affected with CHEK2-related conditions. ClinVar contains an entry for this variant (Variation ID: 1755747). Algorithms developed to predict the effect of sequence changes on RNA splicing suggest that this variant may disrupt the consensus splice site. In summary, the currently available evidence indicates that the variant is pathogenic, but additional data are needed to prove that conclusively. Therefore, this variant has been classified as Likely Pathogenic.

Ambry Genetics
Classification: Likely pathogenic for Hereditary cancer-predisposing syndrome. Last evaluated: 2020-11-03. Review status: criteria provided, single submitter. Criteria: Ambry Variant Classification Scheme 2023. Collection method: clinical testing. Allele origin: germline.
Comment: The c.684-3_684-2delTA intronic variant, located in intron 4 of the CHEK2 gene, results from a deletion of two nucleotides within intron 4 of the CHEK2 gene. In silico splice site analysis predicts that this alteration will weaken the native splice acceptor site and may result in the creation or strengthening of a novel splice acceptor site. Alterations that disrupt the canonical splice site are expected to cause aberrant splicing, resulting in an abnormal protein or a transcript that is subject to nonsense-mediated mRNA decay. Based on the majority of available evidence to date, this variant is likely to be pathogenic.

Literature cited by the submitters: PubMed 16199547 (cited by Labcorp Genetics (formerly Invitae), Labcorp); PubMed 21876083 (cited by Labcorp Genetics (formerly Invitae), Labcorp); PubMed 24713400 (cited by Labcorp Genetics (formerly Invitae), Labcorp).